The following is an entry in ClinVar:

NM_001267550.2(TTN):c.97887A>T (p.Gly32629=)

Genes: TTN (titin; minus strand), TTN-AS1 (TTN antisense RNA 1; plus strand). Cytogenetic location: 2q31.2.
Variant type: single nucleotide variant.
Coding change: c.97887A>T on transcript NM_001267550.2 (MANE Select); coding-DNA position 97887, A replaced by T.
Protein change: p.Gly32629=; no amino-acid change (glycine 32629 retained).
Molecular consequence: synonymous variant.
Genome position (GRCh38, 1-based): chr2:178,540,279, T>A on the plus strand (A>T on the coding strand, the complement: TTN is on the minus strand). VCF-style: chr2-178540279-T-A. GRCh37 (hg19) VCF-style: chr2-179405006-T-A.
Other names: c.97887A>T (NM_001267550.1); c.92964A>T, p.Gly30988= (NM_001256850.1); c.70692A>T, p.Gly23564= (NM_003319.4); c.90183A>T, p.Gly30061= (NM_133378.4); c.71067A>T, p.Gly23689= (NM_133432.3); c.71268A>T, p.Gly23756= (NM_133437.4).
Identifiers: ClinVar variation 1110012 (VCV001110012.9), dbSNP rs755894229, ClinGen allele CA1986476.
Genomic context (GRCh38, chr2:178,540,279, plus strand): 5'-CTTGGTCCATTCATGTTGATCTACTTTTTGCATTTCAATCAAGTAGCCTGTGACTTTAGA[T>A]CCTCCTTCATCTTCTGGAACACTCCAGGCCAGGGAGACTGATGTCCTTGTTGTATCAGTA-3'
Protein context (NP_001254479.2, residues 32619-32639): LAWSVPEDEG[Gly32629=]SKVTGYLIEM

ClinVar aggregate classification (germline): Likely benign. Review status: criteria provided, multiple submitters, no conflicts (2 of 4 stars). 2 submissions from 2 submitters: Likely benign (2). Last evaluated 2022-12-13.

Conditions:
Autosomal recessive limb-girdle muscular dystrophy type 2J (LGMDR10). Also called: MUSCULAR DYSTROPHY, LIMB-GIRDLE, AUTOSOMAL RECESSIVE 10; Limb-girdle muscular dystrophy, type 2J. Identifiers: Orphanet 140922, MedGen C1837342, MONDO:0012127, OMIM 608807.
Dilated cardiomyopathy 1G (CMD1G). Identifiers: Orphanet 154, MedGen C1858763, MONDO:0011400, OMIM 604145.

Allele frequency attached by ClinVar (database versions not stated): gnomAD exomes below 0.00001; ExAC 0.00001.
gnomAD v4.1: 1 of 1,613,850 alleles (0.000062%); highest among the groups gnomAD compares: Admixed American, 0.0017%; no homozygotes.

Submissions (2):

Labcorp Genetics (formerly Invitae), Labcorp
Classification: Likely benign for Dilated cardiomyopathy 1G; Autosomal recessive limb-girdle muscular dystrophy type 2J. Last evaluated: 2022-12-13. Review status: criteria provided, single submitter. Criteria: Invitae Variant Classification Sherloc (09022015). Collection method: clinical testing. Allele origin: germline.

GeneDx
Classification: Likely benign. Last evaluated: 2020-09-18. Review status: criteria provided, single submitter. Criteria: GeneDx Variant Classification Process June 2021. Collection method: clinical testing. Allele origin: germline. Affected: yes.
Comment: See Variant Classification Assertion Criteria.